The following is an entry in ClinVar:

ClinVar aggregate classification (germline): Pathogenic (1 of 4 stars; one submission).

Conditions:
Primary ciliary dyskinesia 9. Also called: CILIARY DYSKINESIA, PRIMARY, 9, WITH OR WITHOUT SITUS INVERSUS. Identifiers: Orphanet 244, MedGen C2676235, MONDO:0012906, OMIM 612444.

Submission:

Myriad Genetics, Inc.
Classification: Pathogenic for Primary ciliary dyskinesia 9. Last evaluated: 2024-05-14. Review status: criteria provided, single submitter. Criteria: Myriad Autosomal Dominant, Autosomal Recessive and X-Linked Classification Criteria (2023). Collection method: clinical testing. Allele origin: unknown.
Comment: NM_023036.4(DNAI2):c.320_321ins13(N108Yfs*5) is expected to be pathogenic in the context of primary ciliary dyskinesia, DNAI2-related. This variant is predicted to lead to an abnormal or absent protein product due to the creation of a premature termination codon in DNAI2, a gene where loss-of-function variants are known to be pathogenic. Please note: this variant was assessed in the context of healthy population screening.

NM_023036.6(DNAI2):c.320_321insGTATAAGAGACAG (p.Asn108fs)

Gene: DNAI2 (dynein axonemal intermediate chain 2; plus strand). Cytogenetic location: 17q25.1.
Variant type: Insertion.
Coding change: c.320_321insGTATAAGAGACAG on transcript NM_023036.6 (MANE Select); coding-DNA positions 320 to 321, GTATAAGAGACAG inserted.
Protein change: p.Asn108fs; shifts the reading frame from asparagine 108.
Molecular consequence: frameshift variant. On other transcripts: non-coding transcript variant (1).
Genome position: GRCh38 VCF-style: chr17-74285176-T-TGTATAAGAGACAG. GRCh37 (hg19) VCF-style: chr17-72281315-T-TGTATAAGAGACAG.
Other names: c.320_321insGTATAAGAGACAG, p.Asn108fs (NM_001172810.3, NM_001353167.2); short protein forms N108fs.
Identifiers: ClinVar variation 5016356 (VCV005016356.1).